The following is an entry in ClinVar:

NM_018238.4(AGK):c.297+2T>C

Gene: AGK (acylglycerol kinase; plus strand). Cytogenetic location: 7q34.
Variant type: single nucleotide variant.
Coding change: c.297+2T>C on transcript NM_018238.4 (MANE Select); the canonical splice donor site of the intron after coding-DNA position 297, T replaced by C.
Molecular consequence: splice donor variant.
Genome position (GRCh38, 1-based): chr7:141,601,282, T>C. VCF-style: chr7-141601282-T-C. GRCh37 (hg19) VCF-style: chr7-141301082-T-C.
Other names: c.297+2T>C (NM_001364948.3).
Identifiers: ClinVar variation 429694 (VCV000429694.11), dbSNP rs765471424, ClinGen allele CA4517378.
Genomic context (GRCh38, chr7:141,601,282, plus strand): 5'-TTGAAAAAAATGCTGCCCCGATTTTACATTTATCTGGCATGGATGTGACTATTGTTAAGG[T>C]AAGAATGGCTCCTGAATGTTTATTTCACCCAAGCAGCTGCCTCTTATAACAACCTCTTCT-3'

ClinVar aggregate classification (germline): Pathogenic. Review status: criteria provided, multiple submitters, no conflicts (2 of 4 stars). 4 submissions from 4 submitters: Pathogenic (3). 1 of the submissions does not count toward it. Last evaluated 2026-01-06.

Conditions:
AGK-related disorder. Also called: AGK-related disorders; AGK-related condition. Identifiers: MedGen CN239194.
Sengers syndrome. Also called: MITOCHONDRIAL DNA DEPLETION SYNDROME 10 (CARDIOMYOPATHIC TYPE); Cardiomyopathy and cataract. Identifiers: Orphanet 1369, MedGen C1859317, MONDO:0008922, OMIM 212350.
Cataract 38. Also called: Cataract, autosomal recessive congenital 5; Cataract 38, autosomal recessive. Identifiers: Orphanet 91492, MedGen C3553494, MONDO:0013859, OMIM 614691.

Allele frequency attached by ClinVar (database versions not stated): ExAC 0.00002; gnomAD exomes 0.00003 and 0.00008; TOPMed 0.00003; gnomAD 0.00005.
gnomAD v4.1: 131 of 1,609,096 alleles (0.0081%); highest among the groups gnomAD compares: Non-Finnish European, 0.01%; no homozygotes.

Submissions (4):

Labcorp Genetics (formerly Invitae), Labcorp
Classification: Pathogenic for Sengers syndrome; Cataract 38. Last evaluated: 2026-01-06. Review status: criteria provided, single submitter. Criteria: Invitae Variant Classification Sherloc (09022015). Collection method: clinical testing. Allele origin: germline.
Comment: This sequence change affects a donor splice site in intron 5 of the AGK gene. RNA analysis indicates that disruption of this splice site induces altered splicing and may result in an absent or altered protein product. This variant is present in population databases (rs765471424, gnomAD 0.01%). Disruption of this splice site has been observed in individuals with Sengers syndrome (PMID: 22277967, 25208612). ClinVar contains an entry for this variant (Variation ID: 429694). Studies have shown that disruption of this splice site results in skipping of exon 5, and produces a non-functional protein and/or introduces a premature termination codon (PMID: 22277967). For these reasons, this variant has been classified as Pathogenic.

GeneDx
Classification: Pathogenic. Last evaluated: 2024-08-17. Review status: criteria provided, single submitter. Criteria: GeneDx Variant Classification Process June 2021. Collection method: clinical testing. Allele origin: germline. Affected: yes.
Comment: Canonical splice site variant predicted to result in a null allele in a gene for which loss of function is a known mechanism of disease; Not observed at significant frequency in large population cohorts (gnomAD); This variant is associated with the following publications: (PMID: 28868593, 28712726, 34356047, 33476211, 25208612, 22277967)

Blueprint Genetics
Classification: Pathogenic for AGK-related disorders. Last evaluated: 2023-04-05. Review status: criteria provided, single submitter. Criteria: ACMG Guidelines, 2015. Collection method: clinical testing. Allele origin: germline. Affected: yes. Observed: 1 variant allele.

PreventionGenetics, part of Exact Sciences
Classification: Pathogenic for AGK-related condition. Last evaluated: 2024-01-16. Review status: no assertion criteria provided. Collection method: clinical testing. Allele origin: germline. Not counted in ClinVar's aggregate classification.
Comment: The AGK c.297+2T>C variant is predicted to disrupt the GT donor site and interfere with normal splicing. This variant was reported in the compound heterozygous state in an individual with myopathic mitochondrial DNA depletion syndrome (Calvo et al. 2012. PubMed ID: 22277967). This variant is reported in 0.012% of alleles in individuals of African descent in gnomAD. Variants that disrupt the consensus splice donor site in AGK are expected to be pathogenic. This variant is interpreted as pathogenic.

Literature cited by the submitters: PubMed 22277967 (cited by Labcorp Genetics (formerly Invitae), Labcorp); PubMed 25208612 (cited by Labcorp Genetics (formerly Invitae), Labcorp).